The following is an entry in ClinVar:

ClinVar aggregate classification (germline): Benign/Likely benign. Review status: criteria provided, multiple submitters, no conflicts (2 of 4 stars). 5 submissions from 5 submitters: Benign (1); Likely benign (2). 2 of the submissions do not count toward it. Last evaluated 2025-09-27.

Allele frequency attached by ClinVar (database versions not stated): ExAC below 0.00001; gnomAD exomes 0.00007; TOPMed 0.00042; gnomAD 0.00065; 1000 Genomes Project 30x 0.00234.

Submissions (5):

Labcorp Genetics (formerly Invitae), Labcorp
Classification: Benign. Last evaluated: 2025-09-27. Review status: criteria provided, single submitter. Criteria: Invitae Variant Classification Sherloc (09022015). Collection method: clinical testing. Allele origin: germline.

CeGaT Center for Human Genetics Tuebingen
Classification: Likely benign. Last evaluated: 2025-01-01. Review status: criteria provided, single submitter. Criteria: CeGaT Center For Human Genetics Tuebingen Variant Classification Criteria Version 2. Collection method: clinical testing. Allele origin: germline. Affected: yes. Observed: 1 variant allele.
Comment: ADCY5: BP4, BP7

Blueprint Genetics
Classification: Likely benign. Last evaluated: 2024-09-18. Review status: criteria provided, single submitter. Criteria: ACMG Guidelines, 2015. Collection method: clinical testing. Allele origin: germline.

Clinical Genetics DNA and cytogenetics Diagnostics Lab, Erasmus MC, Erasmus Medical Center
Classification: Likely benign. Review status: no assertion criteria provided. Collection method: clinical testing. Allele origin: germline. Affected: yes. Study: VKGL Data-share Consensus. Not counted in ClinVar's aggregate classification.

Joint Genome Diagnostic Labs from Nijmegen and Maastricht, Radboudumc and MUMC+
Classification: Likely benign. Review status: no assertion criteria provided. Collection method: clinical testing. Allele origin: germline. Affected: yes. Study: VKGL Data-share Consensus. Not counted in ClinVar's aggregate classification.

NM_183357.3(ADCY5):c.517C>T (p.Leu173=)

Gene: ADCY5 (adenylate cyclase 5; minus strand). Cytogenetic location: 3q21.1.
Variant type: single nucleotide variant.
Coding change: c.517C>T on transcript NM_183357.3 (MANE Select); coding-DNA position 517, C replaced by T.
Protein change: p.Leu173=; no amino-acid change (leucine 173 retained).
Molecular consequence: synonymous variant.
Genome position (GRCh38, 1-based): chr3:123,448,029, G>A on the plus strand (C>T on the coding strand, the complement: ADCY5 is on the minus strand). VCF-style: chr3-123448029-G-A. GRCh37 (hg19) VCF-style: chr3-123166876-G-A.
Other names: c.517C>T, p.Leu173= (NM_001378259.1).
Identifiers: ClinVar variation 777196 (VCV000777196.25), dbSNP rs774205173, ClinGen allele CA2577687.
Genomic context (GRCh38, chr3:123,448,029, plus strand): 5'-AGTCCGCCGAGCTGCCGCCATCCCCGGACCCCTCGCCGCCCTCGACGGCGCCGGCCTCCA[G>A]CTCGTCGGCCGCGCGCCCCTTGCCCCGCCGCTCCTCCAGACCCACCTCCACCGAGCGAGG-3'
Protein context (NP_899200.1, residues 163-183): RRGKGRAADE[Leu173=]EAGAVEGGEG